The following is an entry in ClinVar:

NM_001348768.2(HECW2):c.2329G>A (p.Ala777Thr)

Gene: HECW2 (HECT, C2 and WW domain containing E3 ubiquitin protein ligase 2; minus strand). Cytogenetic location: 2q32.3.
Variant type: single nucleotide variant.
Coding change: c.2329G>A on transcript NM_001348768.2 (MANE Select); coding-DNA position 2329, G replaced by A.
Protein change: p.Ala777Thr; replaces alanine 777 with threonine.
Molecular consequence: missense variant.
Genome position (GRCh38, 1-based): chr2:196,318,561, C>T on the plus strand (G>A on the coding strand, the complement: HECW2 is on the minus strand). VCF-style: chr2-196318561-C-T. GRCh37 (hg19) VCF-style: chr2-197183285-C-T.
Other names: c.2329G>A (NM_020760.1); c.1261G>A, p.Ala421Thr (NM_001304840.3); c.2329G>A, p.Ala777Thr (NM_020760.4); short protein forms A421T, A777T.
Identifiers: ClinVar variation 2651785 (VCV002651785.25), dbSNP rs144966097, ClinGen allele CA2038136.

ClinVar aggregate classification (germline): Conflicting classifications of pathogenicity. Review status: criteria provided, conflicting classifications (1 of 4 stars). 2 submissions from 2 submitters: Uncertain significance (1); Likely benign (1). Last evaluated 2023-09-01.

Conditions:
Inborn genetic diseases. Identifiers: MedGen C0950123, MeSH D030342.

Allele frequency attached by ClinVar (database versions not stated): gnomAD exomes 0.00001; TOPMed 0.00002; gnomAD 0.00003; ExAC 0.00004; ESP Exome Variant Server 0.00008.
gnomAD v4.1: 16 of 1,510,516 alleles (0.0011%); highest among the groups gnomAD compares: Admixed American, 0.0067%; no homozygotes.

Submissions (2):

CeGaT Center for Human Genetics Tuebingen
Classification: Likely benign. Last evaluated: 2023-09-01. Review status: criteria provided, single submitter. Criteria: CeGaT Center For Human Genetics Tuebingen Variant Classification Criteria Version 2. Collection method: clinical testing. Allele origin: germline. Affected: yes. Observed: 1 variant allele.
Comment: HECW2: BP4

Ambry Genetics
Classification: Uncertain significance for Inborn genetic diseases. Last evaluated: 2022-01-04. Review status: criteria provided, single submitter. Criteria: Ambry Variant Classification Scheme 2023. Collection method: clinical testing. Allele origin: germline.